The following is an entry in ClinVar:

ClinVar aggregate classification (germline): Uncertain significance. Review status: criteria provided, multiple submitters, no conflicts (2 of 4 stars). 3 submissions from 3 submitters: Uncertain significance (3). Last evaluated 2022-03-05.

Conditions:
Hereditary cancer-predisposing syndrome. Also called: Neoplastic Syndromes, Hereditary; Tumor predisposition; Hereditary Cancer Syndrome; Hereditary neoplastic syndrome. Identifiers: Orphanet 140162, MedGen C0027672, MeSH D009386, MONDO:0015356.
Familial adenomatous polyposis 1 (FAP1). Also called: FAMILIAL ADENOMATOUS POLYPOSIS 1, ATTENUATED; POLYPOSIS, ADENOMATOUS INTESTINAL. Identifiers: MedGen C2713442, MONDO:0021056, OMIM 175100. Disease mechanism: loss of function.

Allele frequency attached by ClinVar (database versions not stated): gnomAD exomes below 0.00001; TOPMed below 0.00001.
gnomAD v4.1: 1 of 1,614,194 alleles (0.000062%); no homozygotes.

Submissions (3):

Labcorp Genetics (formerly Invitae), Labcorp
Classification: Uncertain significance for Familial adenomatous polyposis 1. Last evaluated: 2022-03-05. Review status: criteria provided, single submitter. Criteria: Invitae Variant Classification Sherloc (09022015). Collection method: clinical testing. Allele origin: germline.
Comment: This sequence change replaces cysteine, which is neutral and slightly polar, with tyrosine, which is neutral and polar, at codon 947 of the APC protein (p.Cys947Tyr). In summary, the available evidence is currently insufficient to determine the role of this variant in disease. Therefore, it has been classified as a Variant of Uncertain Significance. Algorithms developed to predict the effect of missense changes on protein structure and function are either unavailable or do not agree on the potential impact of this missense change (SIFT: "Deleterious"; PolyPhen-2: "Probably Damaging"; Align-GVGD: "Class C15"). ClinVar contains an entry for this variant (Variation ID: 482317). This variant has not been reported in the literature in individuals affected with APC-related conditions. This variant is present in population databases (no rsID available, gnomAD 0.01%).

Ambry Genetics
Classification: Uncertain significance for Hereditary cancer-predisposing syndrome. Last evaluated: 2021-07-14. Review status: criteria provided, single submitter. Criteria: Ambry Variant Classification Scheme 2023. Collection method: clinical testing. Allele origin: germline.
Comment: The p.C947Y variant (also known as c.2840G>A), located in coding exon 15 of the APC gene, results from a G to A substitution at nucleotide position 2840. The cysteine at codon 947 is replaced by tyrosine, an amino acid with highly dissimilar properties. This amino acid position is well conserved in available vertebrate species. In addition, in silico predictors for this gene do not accurately predict pathogenicity. Since supporting evidence is limited at this time, the clinical significance of this alteration remains unclear.

Color Diagnostics, LLC DBA Color Health
Classification: Uncertain significance for Hereditary cancer-predisposing syndrome. Last evaluated: 2019-06-27. Review status: criteria provided, single submitter. Criteria: ACMG Guidelines, 2015. Collection method: clinical testing. Allele origin: germline.

NM_000038.6(APC):c.2840G>A (p.Cys947Tyr)

Gene: APC (APC regulator of Wnt signaling pathway; plus strand). Cytogenetic location: 5q22.2.
Variant type: single nucleotide variant.
Coding change: c.2840G>A on transcript NM_000038.6 (MANE Select); coding-DNA position 2840, G replaced by A.
Protein change: p.Cys947Tyr; replaces cysteine 947 with tyrosine.
Molecular consequence: missense variant.
Genome position (GRCh38, 1-based): chr5:112,838,434, G>A. VCF-style: chr5-112838434-G-A. GRCh37 (hg19) VCF-style: chr5-112174131-G-A.
Other names: c.2840G>A, p.Cys947Tyr (NM_001127510.3, NM_001354895.2); c.2786G>A, p.Cys929Tyr (NM_001127511.3); c.2894G>A, p.Cys965Tyr (NM_001354896.2); c.2870G>A, p.Cys957Tyr (NM_001354897.2); c.2765G>A, p.Cys922Tyr (NM_001354898.2); c.2756G>A, p.Cys919Tyr (NM_001354899.2); c.2717G>A, p.Cys906Tyr (NM_001354900.2); c.2663G>A, p.Cys888Tyr (NM_001354901.2); and 5 more; short protein forms C929Y, C947Y, C821Y, C787Y, C846Y, C888Y, C856Y, C919Y.
Identifiers: ClinVar variation 482317 (VCV000482317.17), dbSNP rs997271472, ClinGen allele CA16027524.